The following is an entry in ClinVar:

ClinVar aggregate classification (germline): Conflicting classifications of pathogenicity. Review status: criteria provided, conflicting classifications (1 of 4 stars). 2 submissions from 2 submitters: Uncertain significance (1); Likely benign (1). Last evaluated 2026-05-01.

Conditions:
Tuberous sclerosis 2 (TSC2). Identifiers: Orphanet 805, MedGen C1860707, MONDO:0013199, OMIM 613254.
Hereditary cancer-predisposing syndrome. Also called: Tumor predisposition; Neoplastic Syndromes, Hereditary; Hereditary Cancer Syndrome; Hereditary neoplastic syndrome. Identifiers: Orphanet 140162, MedGen C0027672, MeSH D009386, MONDO:0015356.

Allele frequency attached by ClinVar (database versions not stated): gnomAD exomes below 0.00001.
gnomAD v4.1: 2 of 1,613,066 alleles (0.00012%); highest among the groups gnomAD compares: Non-Finnish European, 0.00017%; no homozygotes.

Submissions (2):

Ambry Genetics
Classification: Uncertain significance for Hereditary cancer-predisposing syndrome. Last evaluated: 2026-05-01. Review status: criteria provided, single submitter. Criteria: Ambry Variant Classification Scheme 2023. Collection method: clinical testing. Allele origin: germline.
Comment: The p.G1055D variant (also known as c.3164G>A), located in coding exon 27 of the TSC2 gene, results from a G to A substitution at nucleotide position 3164. The glycine at codon 1055 is replaced by aspartic acid, an amino acid with similar properties. This amino acid position is conserved. In addition, this alteration is predicted to be deleterious by in silico analysis. Based on the available evidence, the clinical significance of this variant remains unclear.

Labcorp Genetics (formerly Invitae), Labcorp
Classification: Likely benign for Tuberous sclerosis 2. Last evaluated: 2024-04-10. Review status: criteria provided, single submitter. Criteria: Invitae Variant Classification Sherloc (09022015). Collection method: clinical testing. Allele origin: germline.

NM_000548.5(TSC2):c.3164G>A (p.Gly1055Asp)

Gene: TSC2 (TSC complex subunit 2; plus strand). Cytogenetic location: 16p13.3.
Variant type: single nucleotide variant.
Coding change: c.3164G>A on transcript NM_000548.5 (MANE Select); coding-DNA position 3164, G replaced by A.
Protein change: p.Gly1055Asp; replaces glycine 1055 with aspartic acid.
Molecular consequence: missense variant.
Genome position (GRCh38, 1-based): chr16:2,079,308, G>A. VCF-style: chr16-2079308-G-A. GRCh37 (hg19) VCF-style: chr16-2129309-G-A.
Other names: c.3065G>A, p.Gly1022Asp (NM_001318832.2); c.3035G>A, p.Gly1012Asp (NM_001363528.2, NM_001370405.1, NM_021055.3); c.3032G>A, p.Gly1011Asp (NM_001370404.1, NM_001077183.3); c.3164G>A (NM_000548.3); c.3164G>A, p.Gly1055Asp (NM_001114382.3); c.2924G>A, p.Gly975Asp (NM_001318827.2); c.2888G>A, p.Gly963Asp (NM_001318829.2); c.2432G>A, p.Gly811Asp (NM_001318831.2); short protein forms G1011D, G963D, G1012D, G811D, G1022D, G1055D, G975D.
Identifiers: ClinVar variation 1407119 (VCV001407119.8), dbSNP rs1443030830, ClinGen allele CA394285373.